The following is an entry in ClinVar:

ClinVar aggregate classification (germline): Uncertain significance (1 of 4 stars; one submission).

Conditions:
X-linked immunodeficiency with magnesium defect, Epstein-Barr virus infection and neoplasia. Identifiers: Orphanet 317476, MedGen C3275445, MONDO:0010455, OMIM 300853.

Submission:

Labcorp Genetics (formerly Invitae), Labcorp
Classification: Uncertain significance for X-linked immunodeficiency with magnesium defect, Epstein-Barr virus infection and neoplasia. Last evaluated: 2024-06-12. Review status: criteria provided, single submitter. Criteria: Invitae Variant Classification Sherloc (09022015). Collection method: clinical testing. Allele origin: germline.
Comment: This sequence change replaces phenylalanine, which is neutral and non-polar, with tyrosine, which is neutral and polar, at codon 171 of the MAGT1 protein (p.Phe171Tyr). This variant is not present in population databases (gnomAD no frequency). This variant has not been reported in the literature in individuals affected with MAGT1-related conditions. ClinVar contains an entry for this variant (Variation ID: 1990319). Advanced modeling of protein sequence and biophysical properties (such as structural, functional, and spatial information, amino acid conservation, physicochemical variation, residue mobility, and thermodynamic stability) performed at Invitae indicates that this missense variant is not expected to disrupt MAGT1 protein function with a negative predictive value of 80%. In summary, the available evidence is currently insufficient to determine the role of this variant in disease. Therefore, it has been classified as a Variant of Uncertain Significance.

NM_001367916.1(MAGT1):c.416T>A (p.Phe139Tyr)

Gene: MAGT1 (magnesium transporter 1; minus strand). Cytogenetic location: Xq21.1.
Variant type: single nucleotide variant.
Coding change: c.416T>A on transcript NM_001367916.1 (MANE Select); coding-DNA position 416, T replaced by A.
Protein change: p.Phe139Tyr; replaces phenylalanine 139 with tyrosine.
Molecular consequence: missense variant.
Genome position (GRCh38, 1-based): chrX:77,857,472, A>T on the plus strand (T>A on the coding strand, the complement: MAGT1 is on the minus strand). VCF-style: chrX-77857472-A-T. GRCh37 (hg19) VCF-style: chrX-77112969-A-T.
Other names: c.512T>A, p.Phe171Tyr (NM_032121.5); short protein forms F139Y, F171Y.
Identifiers: ClinVar variation 1990319 (VCV001990319.4), dbSNP rs2521996925, ClinGen allele CA413714389.